The following is an entry in ClinVar:

NM_153252.5(BRWD3):c.2675A>G (p.Lys892Arg)

Gene: BRWD3 (bromodomain and WD repeat domain containing 3; minus strand). Cytogenetic location: Xq21.1.
Variant type: single nucleotide variant.
Coding change: c.2675A>G on transcript NM_153252.5 (MANE Select); coding-DNA position 2675, A replaced by G.
Protein change: p.Lys892Arg; replaces lysine 892 with arginine.
Molecular consequence: missense variant.
Genome position (GRCh38, 1-based): chrX:80,704,724, T>C on the plus strand (A>G on the coding strand, the complement: BRWD3 is on the minus strand). VCF-style: chrX-80704724-T-C. GRCh37 (hg19) VCF-style: chrX-79960223-T-C.
Other names: short protein forms K892R.
Identifiers: ClinVar variation 2868302 (VCV002868302.3), dbSNP rs2520270375, ClinGen allele CA413626563.

ClinVar aggregate classification (germline): Uncertain significance (1 of 4 stars; one submission).

Submission:

Labcorp Genetics (formerly Invitae), Labcorp
Classification: Uncertain significance. Last evaluated: 2024-05-07. Review status: criteria provided, single submitter. Criteria: Invitae Variant Classification Sherloc (09022015). Collection method: clinical testing. Allele origin: germline.
Comment: This sequence change replaces lysine, which is basic and polar, with arginine, which is basic and polar, at codon 892 of the BRWD3 protein (p.Lys892Arg). This variant is not present in population databases (gnomAD no frequency). This variant has not been reported in the literature in individuals affected with BRWD3-related conditions. Advanced modeling of protein sequence and biophysical properties (such as structural, functional, and spatial information, amino acid conservation, physicochemical variation, residue mobility, and thermodynamic stability) performed at Invitae indicates that this missense variant is not expected to disrupt BRWD3 protein function with a negative predictive value of 80%. In summary, the available evidence is currently insufficient to determine the role of this variant in disease. Therefore, it has been classified as a Variant of Uncertain Significance.